The following is an entry in ClinVar:

NM_001009944.3(PKD1):c.3237C>G (p.Asp1079Glu)

Gene: PKD1 (polycystin 1, transient receptor potential channel interacting; minus strand). Cytogenetic location: 16p13.3.
Variant type: single nucleotide variant.
Coding change: c.3237C>G on transcript NM_001009944.3 (MANE Select); coding-DNA position 3237, C replaced by G.
Protein change: p.Asp1079Glu; replaces aspartic acid 1079 with glutamic acid.
Molecular consequence: missense variant.
Genome position (GRCh38, 1-based): chr16:2,112,398, G>C on the plus strand (C>G on the coding strand, the complement: PKD1 is on the minus strand). VCF-style: chr16-2112398-G-C. GRCh37 (hg19) VCF-style: chr16-2162399-G-C.
Other names: c.3237C>G (NM_000296.3); c.3237C>G, p.Asp1079Glu (NM_000296.4); short protein forms D1079E.
Identifiers: ClinVar variation 2634285 (VCV002634285.3), dbSNP rs775658790, ClinGen allele CA7832880.

ClinVar aggregate classification (germline): Uncertain significance. Review status: criteria provided, multiple submitters, no conflicts (2 of 4 stars). 2 submissions from 2 submitters: Uncertain significance (2). Last evaluated 2026-03-06.

Conditions:
PKD1-related disorder. Also called: PKD1-related condition.
Inborn genetic diseases. Identifiers: MedGen C0950123, MeSH D030342.

gnomAD v4.1: 43 of 1,587,104 alleles (0.0027%); highest among the groups gnomAD compares: African/African-American, 0.055%; no homozygotes.

Submissions (2):

PreventionGenetics, part of Exact Sciences
Classification: Uncertain significance for PKD1-related condition. Last evaluated: 2026-03-06. Review status: criteria provided, single submitter. Criteria: ACMG Guidelines, 2015. Collection method: clinical testing. Allele origin: germline.
Comment: The PKD1 c.3237C>G variant is predicted to result in the amino acid substitution p.Asp1079Glu. To our knowledge, this variant has not been reported in the literature. This variant is reported in 0.045% of alleles in individuals of African descent in gnomAD. Although we suspect that this variant may be benign, at this time, the clinical significance of this variant is uncertain due to the absence of conclusive functional and genetic evidence.

Ambry Genetics
Classification: Uncertain significance for Inborn genetic diseases. Last evaluated: 2024-10-11. Review status: criteria provided, single submitter. Criteria: Ambry Variant Classification Scheme 2023. Collection method: clinical testing. Allele origin: germline.